The following is an entry in ClinVar:

NM_182961.4(SYNE1):c.18090C>T (p.Ser6030=)

Gene: SYNE1 (spectrin repeat containing nuclear envelope protein 1; minus strand). Cytogenetic location: 6q25.2.
Variant type: single nucleotide variant.
Coding change: c.18090C>T on transcript NM_182961.4 (MANE Select); coding-DNA position 18090, C replaced by T.
Protein change: p.Ser6030=; no amino-acid change (serine 6030 retained).
Molecular consequence: synonymous variant.
Genome position (GRCh38, 1-based): chr6:152,284,095, G>A on the plus strand (C>T on the coding strand, the complement: SYNE1 is on the minus strand). VCF-style: chr6-152284095-G-A. GRCh37 (hg19) VCF-style: chr6-152605230-G-A.
Other names: c.17877C>T, p.Ser5959= (NM_033071.5).
Identifiers: ClinVar variation 289345 (VCV000289345.22), dbSNP rs146238726, ClinGen allele CA4055055.

ClinVar aggregate classification (germline): Conflicting classifications of pathogenicity. Review status: criteria provided, conflicting classifications (1 of 4 stars). 6 submissions from 5 submitters: Uncertain significance (2); Benign (1); Likely benign (3). Last evaluated 2026-01-01.

Conditions:
Emery-Dreifuss muscular dystrophy 4, autosomal dominant (EDMD4). Also called: EMERY-DREIFUSS MUSCULAR DYSTROPHY 4 WITH VARIABLE FEATURES. Identifiers: Orphanet 261, MedGen C2751807, MONDO:0013071, OMIM 612998.
Autosomal recessive ataxia, Beauce type. Also called: SYNE1 Deficiency; SYNE1-Related Autosomal Recessive Cerebellar Ataxia; ATAXIA, RECESSIVE, OF BEAUCE; Spinocerebellar ataxia, autosomal recessive 8. Identifiers: Orphanet 88644, MedGen C1853116, MONDO:0012549, OMIM 610743.

Allele frequency attached by ClinVar (database versions not stated): gnomAD 0.00001 and 0.00004; TOPMed 0.00004; ESP Exome Variant Server 0.00008; ExAC 0.00011; gnomAD exomes 0.00013 and 0.00018.
gnomAD v4.1: 202 of 1,614,024 alleles (0.013%); highest among the groups gnomAD compares: South Asian, 0.15%; 1 homozygote.

Submissions (6):

CeGaT Center for Human Genetics Tuebingen
Classification: Likely benign. Last evaluated: 2026-01-01. Review status: criteria provided, single submitter. Criteria: CeGaT Center For Human Genetics Tuebingen Variant Classification Criteria Version 2. Collection method: clinical testing. Allele origin: germline. Affected: yes. Observed: 1 variant allele.
Comment: SYNE1: BP4, BP7

Labcorp Genetics (formerly Invitae), Labcorp
Classification: Likely benign for Emery-Dreifuss muscular dystrophy 4, autosomal dominant; Autosomal recessive ataxia, Beauce type. Last evaluated: 2025-08-24. Review status: criteria provided, single submitter. Criteria: Invitae Variant Classification Sherloc (09022015). Collection method: clinical testing. Allele origin: germline.

GeneDx
Classification: Likely benign. Last evaluated: 2018-04-27. Review status: criteria provided, single submitter. Criteria: GeneDx Variant Classification (06012015). Collection method: clinical testing. Allele origin: germline. Affected: yes.
Comment: This variant is considered likely benign or benign based on one or more of the following criteria: it is a conservative change, it occurs at a poorly conserved position in the protein, it is predicted to be benign by multiple in silico algorithms, and/or has population frequency not consistent with disease.

Illumina Laboratory Services, Illumina
Classification: Benign for Emery-Dreifuss muscular dystrophy 4, autosomal dominant. Last evaluated: 2018-01-12. Review status: criteria provided, single submitter. Criteria: ICSL Variant Classification Criteria 13 December 2019. Collection method: clinical testing. Allele origin: germline.
Comment: This variant was observed in the ICSL laboratory as part of a predisposition screen in an ostensibly healthy population. It had not been previously curated by ICSL or reported in the Human Gene Mutation Database (HGMD: prior to June 1st, 2018), and was therefore a candidate for classification through an automated scoring system. Utilizing variant allele frequency, disease prevalence and penetrance estimates, and inheritance mode, an automated score was calculated to assess if this variant is too frequent to cause the disease. Based on the score and internal cut-off values, a variant classified as benign is not then subjected to further curation. The score for this variant resulted in a classification of benign for this disease.

Illumina Laboratory Services, Illumina
Classification: Uncertain significance for Autosomal recessive ataxia, Beauce type. Last evaluated: 2018-01-12. Review status: criteria provided, single submitter. Criteria: ICSL Variant Classification Criteria 13 December 2019. Collection method: clinical testing. Allele origin: germline.

Eurofins Ntd Llc (ga)
Classification: Uncertain significance. Last evaluated: 2016-07-12. Review status: criteria provided, single submitter. Criteria: EGL Classification Definitions 2015. Collection method: clinical testing. Allele origin: germline. Observed: 2 variant alleles, 2 heterozygotes.